The following is an entry in ClinVar:

NM_004304.5(ALK):c.3668T>C (p.Met1223Thr)

Gene: ALK (ALK receptor tyrosine kinase; minus strand). Cytogenetic location: 2p23.2.
Variant type: single nucleotide variant.
Coding change: c.3668T>C on transcript NM_004304.5 (MANE Select); coding-DNA position 3668, T replaced by C.
Protein change: p.Met1223Thr; replaces methionine 1223 with threonine.
Molecular consequence: missense variant.
Genome position (GRCh38, 1-based): chr2:29,214,059, A>G on the plus strand (T>C on the coding strand, the complement: ALK is on the minus strand). VCF-style: chr2-29214059-A-G. GRCh37 (hg19) VCF-style: chr2-29436925-A-G.
Other names: c.464T>C, p.Met155Thr (NM_001353765.2); c.3668T>C (NM_004304.4); short protein forms M1223T, M155T.
Identifiers: ClinVar variation 2741734 (VCV002741734.4), dbSNP rs2148159533, ClinGen allele CA346471588.

ClinVar aggregate classification (germline): Uncertain significance. Review status: criteria provided, multiple submitters, no conflicts (2 of 4 stars). 2 submissions from 2 submitters: Uncertain significance (2). Last evaluated 2023-09-22.

Conditions:
Hereditary cancer-predisposing syndrome. Also called: Hereditary neoplastic syndrome; Hereditary Cancer Syndrome; Neoplastic Syndromes, Hereditary; Tumor predisposition. Identifiers: Orphanet 140162, MedGen C0027672, MeSH D009386, MONDO:0015356.
Neuroblastoma, susceptibility to, 3. Also called: ALK-Related Neuroblastic Tumor Susceptibility. Identifiers: Orphanet 635, MedGen C2751681, MONDO:0013083, OMIM 613014.

Submissions (2):

Ambry Genetics
Classification: Uncertain significance for Hereditary cancer-predisposing syndrome. Last evaluated: 2023-09-22. Review status: criteria provided, single submitter. Criteria: Ambry Variant Classification Scheme 2023. Collection method: clinical testing. Allele origin: germline.
Comment: The p.M1223T variant (also known as c.3668T>C), located in coding exon 24 of the ALK gene, results from a T to C substitution at nucleotide position 3668. The methionine at codon 1223 is replaced by threonine, an amino acid with similar properties. This amino acid position is conserved. In addition, this alteration is predicted to be deleterious by in silico analysis. Since supporting evidence is limited at this time, the clinical significance of this alteration remains unclear.

Labcorp Genetics (formerly Invitae), Labcorp
Classification: Uncertain significance for Neuroblastoma, susceptibility to, 3. Last evaluated: 2023-07-12. Review status: criteria provided, single submitter. Criteria: Invitae Variant Classification Sherloc (09022015). Collection method: clinical testing. Allele origin: germline.
Comment: In summary, the available evidence is currently insufficient to determine the role of this variant in disease. Therefore, it has been classified as a Variant of Uncertain Significance. An algorithm developed to predict the effect of missense changes on protein structure and function (PolyPhen-2) suggests that this variant is likely to be disruptive. This variant has not been reported in the literature in individuals affected with ALK-related conditions. This variant is not present in population databases (gnomAD no frequency). This sequence change replaces methionine, which is neutral and non-polar, with threonine, which is neutral and polar, at codon 1223 of the ALK protein (p.Met1223Thr).